The following is an entry in ClinVar:

NM_002519.3(NPAT):c.2122T>G (p.Ser708Ala)

Gene: NPAT (nuclear protein, coactivator of histone transcription; minus strand). Cytogenetic location: 11q22.3.
Variant type: single nucleotide variant.
Coding change: c.2122T>G on transcript NM_002519.3 (MANE Select); coding-DNA position 2122, T replaced by G.
Protein change: p.Ser708Ala; replaces serine 708 with alanine.
Molecular consequence: missense variant.
Genome position (GRCh38, 1-based): chr11:108,172,862, A>C on the plus strand (T>G on the coding strand, the complement: NPAT is on the minus strand). VCF-style: chr11-108172862-A-C. GRCh37 (hg19) VCF-style: chr11-108043589-A-C.
Other names: c.2122T>G, p.Ser708Ala (NM_001321307.1); short protein forms S708A.
Identifiers: ClinVar variation 1786269 (VCV001786269.2), dbSNP rs2496718602, ClinGen allele CA382513644.

ClinVar aggregate classification (germline): Uncertain significance (1 of 4 stars; one submission).

Allele frequency attached by ClinVar (database versions not stated): gnomAD exomes below 0.00001.
gnomAD v4.1: 2 of 1,614,084 alleles (0.00012%); highest among the groups gnomAD compares: Non-Finnish European, 0.00017%; no homozygotes.

Submission:

Ambry Genetics
Classification: Uncertain significance. Last evaluated: 2024-02-09. Review status: criteria provided, single submitter. Criteria: Ambry Variant Classification Scheme 2023. Collection method: clinical testing. Allele origin: germline.
Comment: The p.S708A variant (also known as c.2122T>G), located in coding exon 13 of the NPAT gene, results from a T to G substitution at nucleotide position 2122. The serine at codon 708 is replaced by alanine, an amino acid with similar properties. This amino acid position is conserved. In addition, this alteration is predicted to be tolerated by in silico analysis. Since supporting evidence is limited at this time, the clinical significance of this alteration remains unclear.